The following is an entry in ClinVar:

NM_004517.4(ILK):c.-92-39A>G

Gene: ILK (integrin linked kinase; plus strand). Cytogenetic location: 11p15.4.
Variant type: single nucleotide variant.
Coding change: c.-92-39A>G on transcript NM_004517.4 (MANE Select); 39 bases into the intron before 92 bases upstream of the start codon, A replaced by G.
Molecular consequence: intron variant. On other transcripts: 5 prime UTR variant (1).
Genome position (GRCh38, 1-based): chr11:6,604,141, A>G. VCF-style: chr11-6604141-A-G. GRCh37 (hg19) VCF-style: chr11-6625371-A-G.
Other names: c.-131A>G (NM_001014795.3); c.-92-39A>G (NM_001278441.2); c.-46-85A>G (NM_001014794.3); c.-282-85A>G (NM_001278442.2).
Identifiers: ClinVar variation 675791 (VCV000675791.1), dbSNP rs143318774, ClinGen allele CA217311622.

ClinVar aggregate classification (germline): Likely benign (1 of 4 stars; one submission).

Allele frequency attached by ClinVar (database versions not stated): gnomAD 0.00428 and 0.00451; TOPMed 0.00516; 1000 Genomes Project 0.00539; 1000 Genomes Project 30x 0.00593.
gnomAD v4.1: 987 of 829,908 alleles (0.12%); highest among the groups gnomAD compares: African/African-American, 1.5%; 11 homozygotes.

Submission:

GeneDx
Classification: Likely benign. Last evaluated: 2018-06-16. Review status: criteria provided, single submitter. Criteria: GeneDx Variant Classification (06012015). Collection method: clinical testing. Allele origin: germline. Affected: yes.
Comment: This variant is considered likely benign or benign based on one or more of the following criteria: it is a conservative change, it occurs at a poorly conserved position in the protein, it is predicted to be benign by multiple in silico algorithms, and/or has population frequency not consistent with disease.